The following is an entry in ClinVar:

ClinVar aggregate classification (germline): Uncertain significance (1 of 4 stars; one submission).

Conditions:
Duchenne muscular dystrophy (DMD). Also called: MUSCULAR DYSTROPHY, PSEUDOHYPERTROPHIC PROGRESSIVE, DUCHENNE TYPE; Duchenne Muscular Dystrophy (DMD). Identifiers: Orphanet 98896, MedGen C0013264, MONDO:0010679, OMIM 310200.

Submission:

Labcorp Genetics (formerly Invitae), Labcorp
Classification: Uncertain significance for Duchenne muscular dystrophy. Last evaluated: 2024-08-03. Review status: criteria provided, single submitter. Criteria: Invitae Variant Classification Sherloc (09022015). Collection method: clinical testing. Allele origin: germline.
Comment: This sequence change replaces threonine, which is neutral and polar, with isoleucine, which is neutral and non-polar, at codon 848 of the DMD protein (p.Thr848Ile). This variant is not present in population databases (gnomAD no frequency). This variant has not been reported in the literature in individuals affected with DMD-related conditions. Advanced modeling of protein sequence and biophysical properties (such as structural, functional, and spatial information, amino acid conservation, physicochemical variation, residue mobility, and thermodynamic stability) performed at Invitae indicates that this missense variant is not expected to disrupt DMD protein function with a negative predictive value of 95%. In summary, the available evidence is currently insufficient to determine the role of this variant in disease. Therefore, it has been classified as a Variant of Uncertain Significance.

NM_004006.3(DMD):c.2543C>T (p.Thr848Ile)

Gene: DMD (dystrophin; minus strand). Cytogenetic location: Xp21.1.
Variant type: single nucleotide variant.
Coding change: c.2543C>T on transcript NM_004006.3 (MANE Select); coding-DNA position 2543, C replaced by T.
Protein change: p.Thr848Ile; replaces threonine 848 with isoleucine.
Molecular consequence: missense variant.
Genome position (GRCh38, 1-based): chrX:32,491,356, G>A on the plus strand (C>T on the coding strand, the complement: DMD is on the minus strand). VCF-style: chrX-32491356-G-A. GRCh37 (hg19) VCF-style: chrX-32509473-G-A.
Other names: c.2519C>T, p.Thr840Ile (NM_000109.4); c.2531C>T, p.Thr844Ile (NM_004009.3); c.2174C>T, p.Thr725Ile (NM_004010.3); short protein forms T840I, T844I, T725I, T848I.
Identifiers: ClinVar variation 3634849 (VCV003634849.2).